The following is an entry in ClinVar:

ClinVar aggregate classification (germline): Uncertain significance. Review status: criteria provided, multiple submitters, no conflicts (2 of 4 stars). 3 submissions from 3 submitters: Uncertain significance (3). Last evaluated 2026-05-29.

Conditions:
Autosomal recessive limb-girdle muscular dystrophy type 2U. Also called: MUSCULAR DYSTROPHY, LIMB-GIRDLE, TYPE 2U; Muscular dystrophy-dystroglycanopathy (limb-girdle), type c, 7. Identifiers: Orphanet 352479, MedGen C5190987, MONDO:0014474, OMIM 616052.
Muscular dystrophy-dystroglycanopathy (congenital with brain and eye anomalies), type A, 7. Also called: WALKER-WARBURG SYNDROME OR MUSCLE-EYE-BRAIN DISEASE, ISPD-RELATED; Congenital muscular dystrophy-dystroglycanopathy with brain and eye anomalies, type A7. Identifiers: Orphanet 899, MedGen C3553330, MONDO:0013835, OMIM 614643.

Allele frequency attached by ClinVar (database versions not stated): gnomAD exomes below 0.00001; TOPMed 0.00003.

Submissions (3):

Women's Health and Genetics/Laboratory Corporation of America, LabCorp
Classification: Uncertain significance. Last evaluated: 2026-05-29. Review status: criteria provided, single submitter. Criteria: LabCorp Variant Classification Summary - May 2015. Collection method: clinical testing. Allele origin: germline.
Comment: Variant summary: CRPPA c.36_44delGGAGCCGGG (p.Glu13_Gly15del) results in an in-frame deletion that is predicted to remove three amino acids from the encoded protein. The variant was absent in 31156 control chromosomes (gnomAD). The available data on variant occurrences in the general population are insufficient to allow any conclusion about variant significance. To our knowledge, no occurrence of c.36_44delGGAGCCGGG in individuals affected with CRPPA-related conditions and no experimental evidence demonstrating its impact on protein function have been reported. ClinVar contains an entry for this variant (Variation ID: 1007665). Based on the evidence outlined above, the variant was classified as uncertain significance.

Labcorp Genetics (formerly Invitae), Labcorp
Classification: Uncertain significance for Muscular dystrophy-dystroglycanopathy (congenital with brain and eye anomalies), type A, 7; Autosomal recessive limb-girdle muscular dystrophy type 2U. Last evaluated: 2022-10-17. Review status: criteria provided, single submitter. Criteria: Invitae Variant Classification Sherloc (09022015). Collection method: clinical testing. Allele origin: germline.
Comment: This variant, c.36_44del, results in the deletion of 3 amino acid(s) of the ISPD protein (p.Glu13_Gly15del), but otherwise preserves the integrity of the reading frame. This variant is not present in population databases (gnomAD no frequency). This variant has not been reported in the literature in individuals affected with ISPD-related conditions. ClinVar contains an entry for this variant (Variation ID: 1007665). Experimental studies and prediction algorithms are not available or were not evaluated, and the functional significance of this variant is currently unknown. In summary, the available evidence is currently insufficient to determine the role of this variant in disease. Therefore, it has been classified as a Variant of Uncertain Significance.

GeneDx
Classification: Uncertain significance. Last evaluated: 2022-06-20. Review status: criteria provided, single submitter. Criteria: GeneDx Variant Classification Process June 2021. Collection method: clinical testing. Allele origin: germline. Affected: yes.
Comment: Not observed at significant frequency in large population cohorts (gnomAD); In-frame deletion of 3 amino acids in a non-repeat region; In silico analysis supports a deleterious effect on protein structure/function; Has not been previously published as pathogenic or benign to our knowledge

NM_001101426.4(CRPPA):c.36_44del (p.Glu13_Gly15del)

Genes: CRPPA (CDP-L-ribitol pyrophosphorylase A; minus strand), LOC129998005 (ATAC-STARR-seq lymphoblastoid silent region 17982; plus strand). Cytogenetic location: 7p21.2.
Variant type: Deletion.
Coding change: c.36_44del on transcript NM_001101426.4 (MANE Select); coding-DNA positions 36 to 44, 9 bases deleted (GGAGCCGGG; older notation c.36_44delGGAGCCGGG).
Protein change: p.Glu13_Gly15del.
Molecular consequence: inframe deletion. On other transcripts: non-coding transcript variant (1).
Genome position (GRCh38, 1-based): chr7:16,421,279-16,421,287, CCCGGCTCC deleted on the plus strand (GGAGCCGGG on the coding strand, the reverse complement: CRPPA is on the minus strand). VCF-style (leftmost placement, unchanged base first): chr7-16421278-ACCCGGCTCC-A. GRCh37 (hg19) VCF-style: chr7-16460903-ACCCGGCTCC-A.
Other names: c.36_44del, p.Glu13_Gly15del (NM_001101417.4, NM_001368197.1); c.36_44delGGAGCCGGG (NM_001101426.4).
Identifiers: ClinVar variation 1007665 (VCV001007665.6), dbSNP rs990740417, ClinGen allele CA154766875.